The following is an entry in ClinVar:

ClinVar aggregate classification (germline): Pathogenic (1 of 4 stars; one submission).

Submission:

Labcorp Genetics (formerly Invitae), Labcorp
Classification: Pathogenic. Last evaluated: 2023-09-29. Review status: criteria provided, single submitter. Criteria: Invitae Variant Classification Sherloc (09022015). Collection method: clinical testing. Allele origin: unknown.
Comment: A gross deletion of the genomic region encompassing the full coding sequence of the CSGALNACT1 gene has been identified. Loss-of-function variants in CSGALNACT1 are known to be pathogenic (PMID: 21148564, 27599773, 31325655). The boundaries of this event are unknown as they extend beyond the assayed region for this gene and therefore may encompass additional genes. This variant has not been reported in the literature in individuals affected with CSGALNACT1-related conditions. For these reasons, this variant has been classified as Pathogenic.

Literature cited by the submitters: PubMed 21148564; PubMed 27599773; PubMed 31325655.

NC_000008.10:g.(?_17915043)_(20112692_?)del

Genes: ASAH1 (N-acylsphingosine amidohydrolase 1; minus strand), ASAH1-AS1 (ASAH1 antisense RNA 1; plus strand), ATP6V1B2 (ATPase H+ transporting V1 subunit B2; plus strand), CSGALNACT1 (chondroitin sulfate N-acetylgalactosaminyltransferase 1; minus strand), INTS10 (integrator complex subunit 10; plus strand) and 7 more. Cytogenetic location: 8p22-21.3.
Variant type: Deletion.
Identifiers: ClinVar variation 3245556 (VCV003245556.1).